The following is an entry in ClinVar:

NM_000443.4(ABCB4):c.179G>T (p.Gly60Val)

Gene: ABCB4 (ATP binding cassette subfamily B member 4; minus strand). Cytogenetic location: 7q21.12.
Variant type: single nucleotide variant.
Coding change: c.179G>T on transcript NM_000443.4 (MANE Select); coding-DNA position 179, G replaced by T.
Protein change: p.Gly60Val; replaces glycine 60 with valine.
Molecular consequence: missense variant.
Genome position (GRCh38, 1-based): chr7:87,462,865, C>A on the plus strand (G>T on the coding strand, the complement: ABCB4 is on the minus strand). VCF-style: chr7-87462865-C-A. GRCh37 (hg19) VCF-style: chr7-87092181-C-A.
Other names: c.179G>T, p.Gly60Val (NM_018849.3, NM_018850.3); c.179G>T (NM_000443.3); short protein forms G60V.
Identifiers: ClinVar variation 596264 (VCV000596264.6), dbSNP rs1562998632, ClinGen allele CA368056410.
Genomic context (GRCh38, chr7:87,462,865, plus strand): 5'-TCTCCAAATACTATCATCATGAGGGGGAGACCTGATCCGTGAGCTATGGCCATGATGGTA[C>A]CCAGCGACATAAACAATTTATCCTGCCAATCGGAGTATCGAAACTAAAAAAAGGAAATAA-3'
Protein context (NP_000434.1, residues 50-70): DWQDKLFMSL[Gly60Val]TIMAIAHGSG

ClinVar aggregate classification (germline): Uncertain significance. Review status: criteria provided, multiple submitters, no conflicts (2 of 4 stars). 2 submissions from 2 submitters: Uncertain significance (2). Last evaluated 2025-01-14.

Conditions:
ABCB4-related disorder. Also called: ABCB4-related disorders; ABCB4-related condition.

Submissions (2):

PreventionGenetics, part of Exact Sciences
Classification: Uncertain significance for ABCB4-related condition. Last evaluated: 2025-01-14. Review status: criteria provided, single submitter. Criteria: ACMG Guidelines, 2015. Collection method: clinical testing. Allele origin: germline.
Comment: The ABCB4 c.179G>T variant is predicted to result in the amino acid substitution p.Gly60Val. To our knowledge, this variant has not been reported in the literature or in a large population database (gnomAD), indicating this variant is rare. At this time, the clinical significance of this variant is uncertain due to the absence of conclusive functional and genetic evidence.

Eurofins Ntd Llc (ga)
Classification: Uncertain significance. Last evaluated: 2018-02-22. Review status: criteria provided, single submitter. Criteria: EGL ClinVar v180209 classification definitions. Collection method: clinical testing. Allele origin: germline. Observed: 1 variant allele, 1 homozygote.